The following is an entry in ClinVar:

NM_000057.4(BLM):c.790G>A (p.Asp264Asn)

Gene: BLM (BLM RecQ like helicase; plus strand). Cytogenetic location: 15q26.1.
Variant type: single nucleotide variant.
Coding change: c.790G>A on transcript NM_000057.4 (MANE Select); coding-DNA position 790, G replaced by A.
Protein change: p.Asp264Asn; replaces aspartic acid 264 with asparagine.
Molecular consequence: missense variant. On other transcripts: 5 prime UTR variant (1).
Genome position (GRCh38, 1-based): chr15:90,750,058, G>A. VCF-style: chr15-90750058-G-A. GRCh37 (hg19) VCF-style: chr15-91293288-G-A.
Other names: c.790G>A, p.Asp264Asn (NM_001287246.2, NM_001287247.2); c.-502G>A (NM_001287248.2); short protein forms D264N.
Identifiers: ClinVar variation 1440369 (VCV001440369.8), dbSNP rs763195731, ClinGen allele CA7738350.
Genomic context (GRCh38, chr15:90,750,058, plus strand): 5'-GCTGAAGTGCATATAAATGAAGATGCTCAGGAAAGTGACTCTCTGAAAACTCATTTGGAA[G>A]ATGAAAGAGGTAACAATTATTTTATCTTCATTTTAGTATGTTCATTGTACTTTTTTATTC-3'
Protein context (NP_000048.1, residues 254-274): ESDSLKTHLE[Asp264Asn]ERDNSEKKKN

ClinVar aggregate classification (germline): Uncertain significance. Review status: criteria provided, multiple submitters, no conflicts (2 of 4 stars). 3 submissions from 3 submitters: Uncertain significance (3). Last evaluated 2025-03-10.

Conditions:
Hereditary cancer-predisposing syndrome. Also called: Neoplastic Syndromes, Hereditary; Hereditary Cancer Syndrome; Hereditary neoplastic syndrome; Tumor predisposition. Identifiers: Orphanet 140162, MedGen C0027672, MeSH D009386, MONDO:0015356.
Bloom syndrome (BLM). Also called: Bloom-Torre-Machacek syndrome. Identifiers: Orphanet 125, MedGen C0005859, MONDO:0008876, OMIM 210900.

Allele frequency attached by ClinVar (database versions not stated): gnomAD exomes below 0.00001 and 0.00001; gnomAD 0.00001; ExAC 0.00002.

Submissions (3):

Ambry Genetics
Classification: Uncertain significance for Hereditary cancer-predisposing syndrome. Last evaluated: 2025-03-10. Review status: criteria provided, single submitter. Criteria: Ambry Variant Classification Scheme 2023. Collection method: clinical testing. Allele origin: germline.
Comment: The p.D264N variant (also known as c.790G>A), located in coding exon 2 of the BLM gene, results from a G to A substitution at nucleotide position 790. The aspartic acid at codon 264 is replaced by asparagine, an amino acid with highly similar properties. This amino acid position is conserved. In addition, this alteration is predicted to be tolerated by in silico analysis. Based on the available evidence, the clinical significance of this variant remains unclear.

Labcorp Genetics (formerly Invitae), Labcorp
Classification: Uncertain significance for Bloom syndrome. Last evaluated: 2021-09-02. Review status: criteria provided, single submitter. Criteria: Invitae Variant Classification Sherloc (09022015). Collection method: clinical testing. Allele origin: germline.
Comment: This sequence change replaces aspartic acid with asparagine at codon 264 of the BLM protein (p.Asp264Asn). The aspartic acid residue is weakly conserved and there is a small physicochemical difference between aspartic acid and asparagine. This variant is present in population databases (rs763195731, ExAC 0.003%). This variant has not been reported in the literature in individuals affected with BLM-related conditions. Algorithms developed to predict the effect of missense changes on protein structure and function (SIFT, PolyPhen-2, Align-GVGD) all suggest that this variant is likely to be tolerated. In summary, the available evidence is currently insufficient to determine the role of this variant in disease. Therefore, it has been classified as a Variant of Uncertain Significance.

Sema4
Classification: Uncertain significance for Hereditary cancer-predisposing syndrome. Last evaluated: 2021-08-26. Review status: criteria provided, single submitter. Criteria: Sema4 Curation Guidelines. Collection method: curation. Allele origin: germline.
Comment: The BLM c.790G>A (p.D264N) variant has not been reported in the literature to our knowledge. It was observed in 2/111404 chromosomes of the Non-Finnish European subpopulation in the large and broad cohorts of the Genome Aggregation Database (PMID: 32461654). The variant has not been reported in ClinVar. In silico tools suggest the impact of the variant on protein function is benign, though these predictions have not been confirmed by functional studies. The evidence is insufficient to meet ACMG/AMP criteria for classifying the variant as benign or pathogenic. Thus, the clinical significance of this variant is currently uncertain.